The following is an entry in ClinVar:

ClinVar aggregate classification (germline): Uncertain significance (1 of 4 stars; one submission).

Conditions:
Gastrointestinal stromal tumor. Also called: Gastrointestinal stromal tumor, somatic; Gastrointestinal stroma tumor. Identifiers: Orphanet 44890, MedGen C0238198, MeSH D046152, MONDO:0011719, OMIM 606764, HP:0100723.

Submission:

Labcorp Genetics (formerly Invitae), Labcorp
Classification: Uncertain significance for Gastrointestinal stromal tumor. Last evaluated: 2024-03-07. Review status: criteria provided, single submitter. Criteria: Invitae Variant Classification Sherloc (09022015). Collection method: clinical testing. Allele origin: germline.
Comment: This sequence change replaces isoleucine, which is neutral and non-polar, with valine, which is neutral and non-polar, at codon 542 of the KIT protein (p.Ile542Val). This variant is not present in population databases (gnomAD no frequency). This variant has not been reported in the literature in individuals affected with KIT-related conditions. Algorithms developed to predict the effect of missense changes on protein structure and function output the following: SIFT: "Not Available"; PolyPhen-2: "Benign"; Align-GVGD: "Not Available". The valine amino acid residue is found in multiple mammalian species, which suggests that this missense change does not adversely affect protein function. In summary, the available evidence is currently insufficient to determine the role of this variant in disease. Therefore, it has been classified as a Variant of Uncertain Significance.

NM_000222.3(KIT):c.1624A>G (p.Ile542Val)

Gene: KIT (KIT proto-oncogene, receptor tyrosine kinase; plus strand). Cytogenetic location: 4q12.
Variant type: single nucleotide variant.
Coding change: c.1624A>G on transcript NM_000222.3 (MANE Select); coding-DNA position 1624, A replaced by G.
Protein change: p.Ile542Val; replaces isoleucine 542 with valine.
Molecular consequence: missense variant.
Genome position (GRCh38, 1-based): chr4:54,727,301, A>G. VCF-style: chr4-54727301-A-G. GRCh37 (hg19) VCF-style: chr4-55593467-A-G.
Other names: c.1612A>G, p.Ile538Val (NM_001093772.2, NM_001385286.1); c.1627A>G, p.Ile543Val (NM_001385284.1, NM_001385290.1); c.1624A>G, p.Ile542Val (NM_001385285.1); c.1615A>G, p.Ile539Val (NM_001385288.1, NM_001385292.1); short protein forms I539V, I538V, I543V, I542V.
Identifiers: ClinVar variation 3644873 (VCV003644873.2).